The following is an entry in ClinVar:

ClinVar aggregate classification (germline): Uncertain significance (1 of 4 stars; one submission).

Conditions:
Inborn genetic diseases. Identifiers: MedGen C0950123, MeSH D030342.

Submission:

Ambry Genetics
Classification: Uncertain significance for Inborn genetic diseases. Last evaluated: 2022-10-19. Review status: criteria provided, single submitter. Criteria: Ambry Variant Classification Scheme 2023. Collection method: clinical testing. Allele origin: germline.
Comment: The p.N2056K variant (also known as c.6168C>G), located in coding exon 36 of the ATR gene, results from a C to G substitution at nucleotide position 6168. The asparagine at codon 2056 is replaced by lysine, an amino acid with similar properties. This amino acid position is conserved. In addition, this alteration is predicted to be tolerated by in silico analysis. Since supporting evidence is limited at this time, the clinical significance of this alteration remains unclear.

NM_001184.4(ATR):c.6168C>G (p.Asn2056Lys)

Genes: ATR (ATR checkpoint kinase; minus strand), LOC126806830 (BRD4-independent group 4 enhancer GRCh37_chr3:142203676-142204875; plus strand). Cytogenetic location: 3q23.
Variant type: single nucleotide variant.
Coding change: c.6168C>G on transcript NM_001184.4 (MANE Select); coding-DNA position 6168, C replaced by G.
Protein change: p.Asn2056Lys; replaces asparagine 2056 with lysine.
Molecular consequence: missense variant.
Genome position (GRCh38, 1-based): chr3:142,485,193, G>C on the plus strand (C>G on the coding strand, the complement: ATR is on the minus strand). VCF-style: chr3-142485193-G-C. GRCh37 (hg19) VCF-style: chr3-142204035-G-C.
Other names: c.5976C>G, p.Asn1992Lys (NM_001354579.2); short protein forms N1992K, N2056K.
Identifiers: ClinVar variation 1751980 (VCV001751980.2), dbSNP rs2108311095, ClinGen allele CA354809583.